The following is an entry in ClinVar:

ClinVar aggregate classification (germline): Uncertain significance. Review status: criteria provided, multiple submitters, no conflicts (2 of 4 stars). 2 submissions from 2 submitters: Uncertain significance (2). Last evaluated 2025-08-09.

Conditions:
Hereditary cancer-predisposing syndrome. Also called: Hereditary Cancer Syndrome; Tumor predisposition; Hereditary neoplastic syndrome; Neoplastic Syndromes, Hereditary. Identifiers: Orphanet 140162, MedGen C0027672, MeSH D009386, MONDO:0015356.
Bloom syndrome (BLM). Also called: Bloom-Torre-Machacek syndrome. Identifiers: Orphanet 125, MedGen C0005859, MONDO:0008876, OMIM 210900.

Allele frequency attached by ClinVar (database versions not stated): gnomAD exomes below 0.00001; TOPMed below 0.00001; gnomAD 0.00001.
gnomAD v4.1: 3 of 1,604,250 alleles (0.00019%); highest among the groups gnomAD compares: Non-Finnish European, 0.00026%; no homozygotes.

Submissions (2):

Ambry Genetics
Classification: Uncertain significance for Hereditary cancer-predisposing syndrome. Last evaluated: 2025-08-09. Review status: criteria provided, single submitter. Criteria: Ambry Variant Classification Scheme 2023. Collection method: clinical testing. Allele origin: germline.
Comment: The p.H1058D variant (also known as c.3172C>G), located in coding exon 15 of the BLM gene, results from a C to G substitution at nucleotide position 3172. The histidine at codon 1058 is replaced by aspartic acid, an amino acid with similar properties. This amino acid position is poorly conserved in available vertebrate species. In addition, this alteration is predicted to be tolerated by in silico analysis. Since supporting evidence is limited at this time, the clinical significance of this alteration remains unclear.

Labcorp Genetics (formerly Invitae), Labcorp
Classification: Uncertain significance for Bloom syndrome. Last evaluated: 2022-01-26. Review status: criteria provided, single submitter. Criteria: Invitae Variant Classification Sherloc (09022015). Collection method: clinical testing. Allele origin: germline.
Comment: ClinVar contains an entry for this variant (Variation ID: 1054918). In summary, the available evidence is currently insufficient to determine the role of this variant in disease. Therefore, it has been classified as a Variant of Uncertain Significance. Algorithms developed to predict the effect of missense changes on protein structure and function (SIFT, PolyPhen-2, Align-GVGD) all suggest that this variant is likely to be tolerated. This variant has not been reported in the literature in individuals affected with BLM-related conditions. This variant is not present in population databases (gnomAD no frequency). This sequence change replaces histidine, which is basic and polar, with aspartic acid, which is acidic and polar, at codon 1058 of the BLM protein (p.His1058Asp).

NM_000057.4(BLM):c.3172C>G (p.His1058Asp)

Gene: BLM (BLM RecQ like helicase; plus strand). Cytogenetic location: 15q26.1.
Variant type: single nucleotide variant.
Coding change: c.3172C>G on transcript NM_000057.4 (MANE Select); coding-DNA position 3172, C replaced by G.
Protein change: p.His1058Asp; replaces histidine 1058 with aspartic acid.
Molecular consequence: missense variant.
Genome position (GRCh38, 1-based): chr15:90,794,319, C>G. VCF-style: chr15-90794319-C-G. GRCh37 (hg19) VCF-style: chr15-91337549-C-G.
Other names: c.3172C>G, p.His1058Asp (NM_001287246.2, NM_001287247.2); c.2047C>G, p.His683Asp (NM_001287248.2); short protein forms H1058D, H683D.
Identifiers: ClinVar variation 1054918 (VCV001054918.10), dbSNP rs1351087442, ClinGen allele CA393846997.